The following is an entry in ClinVar:

NM_003645.4(SLC27A2):c.1834del (p.Ala612fs)

Gene: SLC27A2 (solute carrier family 27 member 2; plus strand). Cytogenetic location: 15q21.2.
Variant type: Deletion.
Coding change: c.1834del on transcript NM_003645.4 (MANE Select); coding-DNA position 1834, one base deleted (G; older notation c.1834delG).
Protein change: p.Ala612fs; shifts the reading frame from alanine 612.
Molecular consequence: frameshift variant.
Genome position (GRCh38, 1-based): chr15:50,236,067, G deleted. VCF-style (leftmost placement, unchanged base first): chr15-50236066-TG-T. GRCh37 (hg19) VCF-style: chr15-50528263-TG-T.
Other names: c.1675del, p.Ala559fs (NM_001159629.2); c.1675delG (NM_001159629.2); short protein forms A559fs, A612fs.
Identifiers: ClinVar variation 4082115 (VCV004082115.1).

ClinVar aggregate classification (germline): Pathogenic (0 of 4 stars; one submission).

Conditions:
Familial hypercholesterolemia. Also called: Familial hypercholesterolaemia. Identifiers: MedGen C0020445, MONDO:0005439.

Submission:

Research Laboratories, P. D. Hinduja Hospital & MRC
Classification: Pathogenic for Familial hypercholesterolemia. Last evaluated: 2022-12-16. Review status: no assertion criteria provided. Collection method: case-control. Allele origin: germline. Affected: yes. Observed: 1 variant allele, 1 heterozygote.
Comment: This variant was identified as part of the ICMR-funded project (Ref No. 2020-3881). A frameshift deletion in SLC27A2 (NM_001159629.2), exon 7: c.1675delG, resulting in a frameshift at valine 559 and a premature stop codon 10 residues downstream (p.V559Wfs*10). To our knowledge, functional studies specific to this variant have not been reported. This variant has not been described in individuals with Familial Hypercholesterolemia (FH) in the literature; however, the SLC27A2 gene is associated with lipid metabolism according to the LIPID MAPS Proteome Database (LMPD). Computational predictions using MutationTaster and PolyPhen-2 suggest that this variant is likely deleterious and possibly damaging to protein function (GRCh38)."